The following is an entry in ClinVar:

ClinVar aggregate classification (germline): Pathogenic (1 of 4 stars; one submission).

Submission:

Labcorp Genetics (formerly Invitae), Labcorp
Classification: Pathogenic. Last evaluated: 2022-10-14. Review status: criteria provided, single submitter. Criteria: Invitae Variant Classification Sherloc (09022015). Collection method: clinical testing. Allele origin: germline.
Comment: For these reasons, this variant has been classified as Pathogenic. This variant has not been reported in the literature in individuals affected with FAT4-related conditions. This variant is not present in population databases (gnomAD no frequency). This sequence change creates a premature translational stop signal (p.Gly1923Aspfs*13) in the FAT4 gene. It is expected to result in an absent or disrupted protein product. Loss-of-function variants in FAT4 are known to be pathogenic (PMID: 24056717, 24913602).

Literature cited by the submitters: PubMed 24056717; PubMed 24913602.

NM_001291303.3(FAT4):c.5768del (p.Gly1923fs)

Gene: FAT4 (FAT atypical cadherin 4; plus strand). Cytogenetic location: 4q28.1.
Variant type: Deletion.
Coding change: c.5768del on transcript NM_001291303.3 (MANE Select); coding-DNA position 5768, one base deleted (G; older notation c.5768delG).
Protein change: p.Gly1923fs; shifts the reading frame from glycine 1923.
Molecular consequence: frameshift variant.
Genome position (GRCh38, 1-based): chr4:125,408,642, G deleted; the last of 5 consecutive G bases (chr4:125,408,638-125,408,642); deleting any one gives the same sequence. VCF-style (leftmost placement, unchanged base first): chr4-125408637-TG-T. GRCh37 (hg19) VCF-style: chr4-126329792-TG-T.
Other names: c.5768del, p.Gly1923fs (NM_001291285.3, NM_024582.6); short protein forms G1923fs.
Identifiers: ClinVar variation 2151990 (VCV002151990.4), dbSNP rs1734720424, ClinGen allele CA1491637328.